The following is an entry in ClinVar:

ClinVar aggregate classification (germline): Uncertain significance (1 of 4 stars; one submission).

Submission:

GeneDx
Classification: Uncertain significance. Last evaluated: 2022-10-28. Review status: criteria provided, single submitter. Criteria: GeneDx Variant Classification Process June 2021. Collection method: clinical testing. Allele origin: germline. Affected: yes.
Comment: Not observed at significant frequency in large population cohorts (gnomAD); In silico analysis supports that this missense variant has a deleterious effect on protein structure/function; Has not been previously published as pathogenic or benign to our knowledge

NM_001347721.2(DYRK1A):c.69C>A (p.Phe23Leu)

Gene: DYRK1A (dual specificity tyrosine phosphorylation regulated kinase 1A; plus strand). Cytogenetic location: 21q22.13.
Variant type: single nucleotide variant.
Coding change: c.69C>A on transcript NM_001347721.2 (MANE Select); coding-DNA position 69, C replaced by A.
Protein change: p.Phe23Leu; replaces phenylalanine 23 with leucine.
Molecular consequence: missense variant. On other transcripts: 5 prime UTR variant (1).
Genome position (GRCh38, 1-based): chr21:37,472,742, C>A. VCF-style: chr21-37472742-C-A. GRCh37 (hg19) VCF-style: chr21-38845044-C-A.
Other names: c.69C>A, p.Phe23Leu (NM_001347722.2, NM_001396.5, NM_101395.2 and 2 more transcripts); c.-19C>A (NM_001347723.2); short protein forms F23L.
Identifiers: ClinVar variation 2500606 (VCV002500606.1), dbSNP rs2517957532, ClinGen allele CA409942311.